The following is an entry in ClinVar:

NM_001243133.2(NLRP3):c.346A>T (p.Met116Leu)

Gene: NLRP3 (NLR family pyrin domain containing 3; plus strand). Cytogenetic location: 1q44.
Variant type: single nucleotide variant.
Coding change: c.346A>T on transcript NM_001243133.2 (MANE Select); coding-DNA position 346, A replaced by T.
Protein change: p.Met116Leu; replaces methionine 116 with leucine.
Molecular consequence: missense variant.
Genome position (GRCh38, 1-based): chr1:247,423,298, A>T. VCF-style: chr1-247423298-A-T. GRCh37 (hg19) VCF-style: chr1-247586600-A-T.
Other names: c.346A>T, p.Met116Leu (NM_001079821.3, NM_001127461.3, NM_001127462.3 and 1 more transcripts); c.352A>T, p.Met118Leu (NM_004895.5); short protein forms M116L, M118L.
Identifiers: ClinVar variation 1714214 (VCV001714214.5), dbSNP rs2527245675, ClinGen allele CA345554445.

ClinVar aggregate classification (germline): Uncertain significance (1 of 4 stars; one submission).

Conditions:
Cryopyrin associated periodic syndrome (CAPS). Identifiers: Orphanet 208650, MedGen C2316212, MONDO:0016168.

Submission:

Labcorp Genetics (formerly Invitae), Labcorp
Classification: Uncertain significance for Cryopyrin associated periodic syndrome. Last evaluated: 2023-06-17. Review status: criteria provided, single submitter. Criteria: Invitae Variant Classification Sherloc (09022015). Collection method: clinical testing. Allele origin: germline.
Comment: ClinVar contains an entry for this variant (Variation ID: 1714214). This sequence change replaces methionine, which is neutral and non-polar, with leucine, which is neutral and non-polar, at codon 118 of the NLRP3 protein (p.Met118Leu). This variant is not present in population databases (gnomAD no frequency). This variant has not been reported in the literature in individuals affected with NLRP3-related conditions. Advanced modeling of protein sequence and biophysical properties (such as structural, functional, and spatial information, amino acid conservation, physicochemical variation, residue mobility, and thermodynamic stability) performed at Invitae indicates that this missense variant is not expected to disrupt NLRP3 protein function. In summary, the available evidence is currently insufficient to determine the role of this variant in disease. Therefore, it has been classified as a Variant of Uncertain Significance.